The following is an entry in ClinVar:

ClinVar aggregate classification (germline): Uncertain significance. Review status: criteria provided, multiple submitters, no conflicts (2 of 4 stars). 2 submissions from 2 submitters: Uncertain significance (2). Last evaluated 2025-11-08.

Allele frequency attached by ClinVar (database versions not stated): gnomAD 0.00001; gnomAD exomes 0.00001; TOPMed 0.00001; ExAC 0.00002.
gnomAD v4.1: 13 of 1,613,246 alleles (0.00081%); highest among the groups gnomAD compares: Admixed American, 0.005%; no homozygotes.

Submissions (2):

Ambry Genetics
Classification: Uncertain significance. Last evaluated: 2025-11-08. Review status: criteria provided, single submitter. Criteria: Ambry Variant Classification Scheme 2023. Collection method: clinical testing. Allele origin: germline.

Labcorp Genetics (formerly Invitae), Labcorp
Classification: Uncertain significance. Last evaluated: 2023-06-09. Review status: criteria provided, single submitter. Criteria: Invitae Variant Classification Sherloc (09022015). Collection method: clinical testing. Allele origin: germline.
Comment: This sequence change replaces arginine, which is basic and polar, with glutamine, which is neutral and polar, at codon 715 of the BACH2 protein (p.Arg715Gln). This variant is present in population databases (rs774619807, gnomAD 0.006%). In summary, the available evidence is currently insufficient to determine the role of this variant in disease. Therefore, it has been classified as a Variant of Uncertain Significance. Advanced modeling of protein sequence and biophysical properties (such as structural, functional, and spatial information, amino acid conservation, physicochemical variation, residue mobility, and thermodynamic stability) performed at Invitae indicates that this missense variant is not expected to disrupt BACH2 protein function. This variant has not been reported in the literature in individuals affected with BACH2-related conditions.

NM_021813.4(BACH2):c.2144G>A (p.Arg715Gln)

Gene: BACH2 (BACH transcriptional regulator 2; minus strand). Cytogenetic location: 6q15.
Variant type: single nucleotide variant.
Coding change: c.2144G>A on transcript NM_021813.4 (MANE Select); coding-DNA position 2144, G replaced by A.
Protein change: p.Arg715Gln; replaces arginine 715 with glutamine.
Molecular consequence: missense variant.
Genome position (GRCh38, 1-based): chr6:89,932,790, C>T on the plus strand (G>A on the coding strand, the complement: BACH2 is on the minus strand). VCF-style: chr6-89932790-C-T. GRCh37 (hg19) VCF-style: chr6-90642509-C-T.
Other names: c.2144G>A (NM_021813.2); c.2144G>A, p.Arg715Gln (NM_001170794.2); short protein forms R715Q.
Identifiers: ClinVar variation 2890429 (VCV002890429.4), dbSNP rs774619807, ClinGen allele CA3927855.